The following is an entry in ClinVar:

NM_002692.4(POLE2):c.443C>A (p.Thr148Asn)

Gene: POLE2 (DNA polymerase epsilon 2, accessory subunit; minus strand). Cytogenetic location: 14q21.3.
Variant type: single nucleotide variant.
Coding change: c.443C>A on transcript NM_002692.4 (MANE Select); coding-DNA position 443, C replaced by A.
Protein change: p.Thr148Asn; replaces threonine 148 with asparagine.
Molecular consequence: missense variant.
Genome position (GRCh38, 1-based): chr14:49,669,573, G>T on the plus strand (C>A on the coding strand, the complement: POLE2 is on the minus strand). VCF-style: chr14-49669573-G-T. GRCh37 (hg19) VCF-style: chr14-50136291-G-T.
Other names: c.365C>A, p.Thr122Asn (NM_001197330.2); c.443C>A, p.Thr148Asn (NM_001197331.3, NM_001348384.2); c.212C>A, p.Thr71Asn (NM_001348385.2); short protein forms T122N, T148N, T71N.
Identifiers: ClinVar variation 4694430 (VCV004694430.1).

ClinVar aggregate classification (germline): Uncertain significance (1 of 4 stars; one submission).

gnomAD v4.1: 1 of 1,595,774 alleles (0.000063%); highest among the groups gnomAD compares: Admixed American, 0.0017%; no homozygotes.

Submission:

Labcorp Genetics (formerly Invitae), Labcorp
Classification: Uncertain significance. Last evaluated: 2025-04-13. Review status: criteria provided, single submitter. Criteria: Invitae Variant Classification Sherloc (09022015). Collection method: clinical testing. Allele origin: germline.
Comment: This sequence change replaces threonine, which is neutral and polar, with asparagine, which is neutral and polar, at codon 148 of the POLE2 protein (p.Thr148Asn). This variant is not present in population databases (gnomAD no frequency). This variant has not been reported in the literature in individuals affected with POLE2-related conditions. An algorithm developed to predict the effect of missense changes on protein structure and function (PolyPhen-2) suggests that this variant is likely to be disruptive. In summary, the available evidence is currently insufficient to determine the role of this variant in disease. Therefore, it has been classified as a Variant of Uncertain Significance.